The following is an entry in ClinVar:

NM_000294.3(PHKG2):c.271+124_327-492del

Gene: PHKG2 (phosphorylase kinase catalytic subunit gamma 2; plus strand). Cytogenetic location: 16p11.2.
Variant type: Deletion.
Coding change: c.271+124_327-492del on transcript NM_000294.3 (MANE Select); 124 bases into the intron after coding-DNA position 271 through 492 bases into the intron before coding-DNA position 327, 1,336 bases deleted.
Molecular consequence: splice acceptor variant, splice donor variant.
Genome position (GRCh38, 1-based): chr16:30,751,405-30,752,740, 1,336 bases deleted. GRCh37 (hg19): chr16:30,762,726-30,764,061.
Other names: c.271+124_327-492del (NM_001172432.2).
Identifiers: ClinVar variation 3391010 (VCV003391010.1).

ClinVar aggregate classification (germline): Likely pathogenic (1 of 4 stars; one submission).

Conditions:
Glycogen storage disease IXc (GSD9C). Also called: GSD IXc. Identifiers: Orphanet 264580, MedGen C2751643, MONDO:0013091, OMIM 613027.

Submission:

Department of Medical Genetics, Sanjay Gandhi Post Graduate Institute of Medical Sciences
Classification: Likely pathogenic for Glycogen storage disease IXc. Review status: criteria provided, single submitter. Criteria: ACMG/ClinGen CNV Guidelines, 2019. Collection method: research. Allele origin: germline. Inheritance: Autosomal recessive inheritance. Affected: yes. Observed: 1 homozygote.
Comment: The copy number loss was identified using integrated genome viewer (IGV) interface showing homozygous deletion spanning exon 4 and the adjacent intronic region of the PHKG2 gene. The start and end cordinated encompassing the deleted segment was identified using IGV interface.